The following is an entry in ClinVar:

NM_000540.3(RYR1):c.13367A>C (p.Asp4456Ala)

Gene: RYR1 (ryanodine receptor 1; plus strand). Cytogenetic location: 19q13.2.
Variant type: single nucleotide variant.
Coding change: c.13367A>C on transcript NM_000540.3 (MANE Select); coding-DNA position 13367, A replaced by C.
Protein change: p.Asp4456Ala; replaces aspartic acid 4456 with alanine.
Molecular consequence: missense variant.
Genome position (GRCh38, 1-based): chr19:38,565,701, A>C. VCF-style: chr19-38565701-A-C. GRCh37 (hg19) VCF-style: chr19-39056341-A-C.
Other names: c.13352A>C, p.Asp4451Ala (NM_001042723.2); short protein forms D4456A, D4451A.
Identifiers: ClinVar variation 4771017 (VCV004771017.1).
Genomic context (GRCh38, chr19:38,565,701, plus strand): 5'-GGGCGGTGGCCGTGACCGATGGGGGCCCCTTCCGGCCCGAAGGGGCTGGCGGTCTCGGGG[A>C]CATGGGGGACACGACGCCTGCGGAACCGCCCACACCCGAGGGCTCTCCCATCCTCAAGAG-3'
Protein context (NP_000531.2, residues 4446-4466): FRPEGAGGLG[Asp4456Ala]MGDTTPAEPP

ClinVar aggregate classification (germline): Uncertain significance (1 of 4 stars; one submission).

Conditions:
RYR1-related disorder. Also called: RYR1-related condition; RYR1-related disorders. Identifiers: MedGen CN239331.

Submission:

Labcorp Genetics (formerly Invitae), Labcorp
Classification: Uncertain significance for RYR1-related disorder. Last evaluated: 2025-10-28. Review status: criteria provided, single submitter. Criteria: Invitae Variant Classification Sherloc (09022015). Collection method: clinical testing. Allele origin: germline.
Comment: This sequence change replaces aspartic acid, which is acidic and polar, with alanine, which is neutral and non-polar, at codon 4456 of the RYR1 protein (p.Asp4456Ala). This variant is not present in population databases (gnomAD no frequency). This variant has not been reported in the literature in individuals affected with RYR1-related conditions. Invitae Evidence Modeling of protein sequence and biophysical properties (such as structural, functional, and spatial information, amino acid conservation, physicochemical variation, residue mobility, and thermodynamic stability) indicates that this missense variant is not expected to disrupt RYR1 protein function with a negative predictive value of 80%. In summary, the available evidence is currently insufficient to determine the role of this variant in disease. Therefore, it has been classified as a Variant of Uncertain Significance.